The following is an entry in ClinVar:

ClinVar aggregate classification (germline): Pathogenic. Review status: criteria provided, multiple submitters, no conflicts (2 of 4 stars). 2 submissions from 2 submitters: Pathogenic (2). Last evaluated 2025-11-05.

Conditions:
Pierson syndrome. Also called: MICROCORIA-CONGENITAL NEPHROTIC SYNDROME. Identifiers: Orphanet 2670, MedGen C1836876, MONDO:0012184, OMIM 609049.
LAMB2-related infantile-onset nephrotic syndrome. Also called: NEPHROTIC SYNDROME, TYPE 5, WITH OCULAR ABNORMALITIES; Nephrotic Syndrome, type 5; NEPHROTIC SYNDROME, TYPE 5, WITHOUT OCULAR ABNORMALITIES. Identifiers: Orphanet 306507, MedGen C3280113, MONDO:0013621, OMIM 614199.

Allele frequency attached by ClinVar (database versions not stated): gnomAD exomes below 0.00001.

Submissions (2):

Dasa
Classification: Pathogenic. Last evaluated: 2025-11-05. Review status: criteria provided, single submitter. Criteria: DASA Assertion Criteria. Collection method: clinical testing. Allele origin: germline.
Comment: NM_002292.4(LAMB2):c.4198_4199del (p.Leu1400Glufs*7) is a frameshift variant in LAMB2 predicted to alter the reading frame and introduce a premature termination codon and is predicted to result in an absent or altered protein product. Loss of function is an established disease mechanism for LAMB2-associated disorders. This variant has been reported in individuals with LAMB2-related disorders (PMID: 25349199). Also, this variant is rare in population databases. Based on the currently available evidence, this variant is classified as pathogenic.

Labcorp Genetics (formerly Invitae), Labcorp
Classification: Pathogenic for LAMB2-related infantile-onset nephrotic syndrome; Pierson syndrome. Last evaluated: 2022-01-04. Review status: criteria provided, single submitter. Criteria: Invitae Variant Classification Sherloc (09022015). Collection method: clinical testing. Allele origin: germline.
Comment: For these reasons, this variant has been classified as Pathogenic. This premature translational stop signal has been observed in individual(s) with steroid-resistant nephrotic syndrome (PMID: 25349199). This variant is not present in population databases (gnomAD no frequency). This sequence change creates a premature translational stop signal (p.Leu1400Glufs*7) in the LAMB2 gene. It is expected to result in an absent or disrupted protein product. Loss-of-function variants in LAMB2 are known to be pathogenic (PMID: 15367484).

Literature cited by the submitters: PubMed 25349199 (cited by Dasa and Labcorp Genetics (formerly Invitae), Labcorp); PubMed 15367484 (cited by Labcorp Genetics (formerly Invitae), Labcorp).

NM_002292.4(LAMB2):c.4198_4199del (p.Leu1400fs)

Gene: LAMB2 (laminin subunit beta 2; minus strand). Cytogenetic location: 3p21.31.
Variant type: Deletion.
Coding change: c.4198_4199del on transcript NM_002292.4 (MANE Select); coding-DNA positions 4198 to 4199, 2 bases deleted (CT; older notation c.4198_4199delCT).
Protein change: p.Leu1400fs; shifts the reading frame from leucine 1400.
Molecular consequence: frameshift variant.
Genome position (GRCh38, 1-based): chr3:49,123,157-49,123,158, AG deleted on the plus strand (CT on the coding strand, the reverse complement: LAMB2 is on the minus strand). VCF-style (leftmost placement, unchanged base first): chr3-49123156-CAG-C. GRCh37 (hg19) VCF-style: chr3-49160589-CAG-C.
Other names: short protein forms L1400fs.
Identifiers: ClinVar variation 2203392 (VCV002203392.6), dbSNP rs2472534505, ClinGen allele CA2580070075.